The following is an entry in ClinVar:

NM_000501.4(ELN):c.1396_1407dup (p.Ala469_Gln470insAlaLysAlaAla)

Gene: ELN (elastin; plus strand). Cytogenetic location: 7q11.23.
Variant type: Duplication.
Coding change: c.1396_1407dup on transcript NM_000501.4 (MANE Select); coding-DNA positions 1396 to 1407, 12 bases duplicated (GCCAAAGCCGCC).
Protein change: p.Ala469_Gln470insAlaLysAlaAla.
Molecular consequence: inframe insertion. On other transcripts: intron variant (7).
Genome position (GRCh38, 1-based): chr7:74,057,678-74,057,689, GCCAAAGCCGCC duplicated; duplicating any 12 consecutive bases within chr7:74,057,675-74,057,689 gives the same sequence; the c. name uses the placement nearest the transcript's 3' end. VCF-style (leftmost placement, unchanged base first): chr7-74057674-A-AGCCGCCAAAGCC. GRCh37 (hg19) VCF-style: chr7-73472004-A-AGCCGCCAAAGCC.
Other names: c.1411_1422dup, p.Ala474_Gln475insAlaLysAlaAla (NM_001081754.3); c.1396_1407dup, p.Ala469_Gln470insAlaLysAlaAla (NM_001278912.2, NM_001278915.2); c.1366_1377dup, p.Ala459_Gln460insAlaLysAlaAla (NM_001278917.2); c.1483_1494dup, p.Ala498_Gln499insAlaLysAlaAla (NM_001278939.2); c.1372+965_1372+976dup (NM_001081753.3); c.1357+965_1357+976dup (NM_001081755.3); c.1315+965_1315+976dup (NM_001278916.2); c.1171+965_1171+976dup (NM_001278913.2); and 3 more.
Identifiers: ClinVar variation 2756715 (VCV002756715.3), dbSNP rs1158302723, ClinGen allele CA575335336.

ClinVar aggregate classification (germline): Uncertain significance (1 of 4 stars; one submission).

Conditions:
Supravalvar aortic stenosis (SVAS). Also called: Supravalvar aortic stenosis, Eisenberg type. Identifiers: Orphanet 3193, MedGen C0003499, MONDO:0008504, OMIM 185500, HP:0004381.

Submission:

Labcorp Genetics (formerly Invitae), Labcorp
Classification: Uncertain significance for Supravalvar aortic stenosis. Last evaluated: 2025-09-18. Review status: criteria provided, single submitter. Criteria: Invitae Variant Classification Sherloc (09022015). Collection method: clinical testing. Allele origin: germline.
Comment: This variant, c.1483_1494dup, results in the insertion of 4 amino acid(s) of the ELN protein (p.Ala495_Ala498dup), but otherwise preserves the integrity of the reading frame. This variant is present in population databases (no rsID available, gnomAD 0.01%). This variant has not been reported in the literature in individuals affected with ELN-related conditions. ClinVar contains an entry for this variant (Variation ID: 2756715). In summary, the available evidence is currently insufficient to determine the role of this variant in disease. Therefore, it has been classified as a Variant of Uncertain Significance.